The following is an entry in ClinVar:

ClinVar aggregate classification (germline): Uncertain significance (1 of 4 stars; one submission).

Conditions:
Hereditary cancer-predisposing syndrome. Also called: Tumor predisposition; Neoplastic Syndromes, Hereditary; Hereditary Cancer Syndrome; Hereditary neoplastic syndrome. Identifiers: Orphanet 140162, MedGen C0027672, MeSH D009386, MONDO:0015356.

Submission:

Color Diagnostics, LLC DBA Color Health
Classification: Uncertain significance for Hereditary cancer-predisposing syndrome. Last evaluated: 2022-04-18. Review status: criteria provided, single submitter. Criteria: ACMG Guidelines, 2015. Collection method: clinical testing. Allele origin: germline.
Comment: This missense variant replaces valine with leucine at codon 2079 of the ATM protein. Computational prediction suggests that this variant may not impact protein structure and function (internally defined REVEL score threshold <= 0.5, PMID: 27666373). To our knowledge, functional studies have not been reported for this variant. This variant has not been reported in individuals affected with hereditary cancer in the literature. This variant has not been identified in the general population by the Genome Aggregation Database (gnomAD). The available evidence is insufficient to determine the role of this variant in disease conclusively. Therefore, this variant is classified as a Variant of Uncertain Significance.

NM_000051.4(ATM):c.6235G>C (p.Val2079Leu)

Genes: ATM (ATM serine/threonine kinase; plus strand), C11orf65 (chromosome 11 open reading frame 65; minus strand). Cytogenetic location: 11q22.3.
Variant type: single nucleotide variant.
Coding change: c.6235G>C on transcript NM_000051.4 (MANE Select); coding-DNA position 6235, G replaced by C.
Protein change: p.Val2079Leu; replaces valine 2079 with leucine.
Molecular consequence: missense variant. On other transcripts: intron variant (2).
Genome position (GRCh38, 1-based): chr11:108,317,409, G>C. VCF-style: chr11-108317409-G-C. GRCh37 (hg19) VCF-style: chr11-108188136-G-C.
Other names: c.6235G>C, p.Val2079Leu (NM_001351834.2); c.641-8338C>G (NM_001330368.2); c.*39-8338C>G (NM_001351110.2); short protein forms V2079L.
Identifiers: ClinVar variation 2774692 (VCV002774692.1), dbSNP rs1800060, ClinGen allele CA382551194.